The following is an entry in ClinVar:

NM_001399.5(EDA):c.585_706+6delinsTCCTCCTGGTCC

Gene: EDA (ectodysplasin A; plus strand). Cytogenetic location: Xq13.1.
Variant type: Indel.
Coding change: c.585_706+6delinsTCCTCCTGGTCC on transcript NM_001399.5 (MANE Select); coding-DNA position 585 through 6 bases into the intron after coding-DNA position 706, the reference bases replaced by TCCTCCTGGTCC.
Molecular consequence: splice donor variant.
Genome position (GRCh38, 1-based): chrX:70,027,915-70,028,042, 128 bases replaced. GRCh37 (hg19): chrX:69,247,765-69,247,892.
Other names: c.585_706+6delinsTCCTCCTGGTCC (NM_001005609.2, NM_001005612.3).
Identifiers: ClinVar variation 3647008 (VCV003647008.2).

ClinVar aggregate classification (germline): Pathogenic (1 of 4 stars; one submission).

Conditions:
Hypohidrotic X-linked ectodermal dysplasia (XHED). Also called: ECTODERMAL DYSPLASIA, HYPOHIDROTIC, 1; CST SYNDROME; Ectodermal Dysplasia 1, Anhidrotic; Christ-Siemans-Touraine syndrome; ECTODERMAL DYSPLASIA 1; Anhidrotic ectodermal dysplasia X-linked. Identifiers: Orphanet 181, Orphanet 238468, MedGen C0162359, MONDO:0010585, OMIM 305100.

Submission:

Labcorp Genetics (formerly Invitae), Labcorp
Classification: Pathogenic for Hypohidrotic X-linked ectodermal dysplasia. Last evaluated: 2024-03-20. Review status: criteria provided, single submitter. Criteria: Invitae Variant Classification Sherloc (09022015). Collection method: clinical testing. Allele origin: germline.
Comment: This variant results in the deletion of part of exon 4 (c.585_706+6delinsTCCTCCTGGTCC) of the EDA gene. It is expected to disrupt RNA splicing. Variants that disrupt the donor or acceptor splice site typically lead to a loss of protein function (PMID: 16199547), and loss-of-function variants in EDA are known to be pathogenic (PMID: 9683615). This variant is not present in population databases (gnomAD no frequency). This variant has not been reported in the literature in individuals affected with EDA-related conditions. This variant disrupts a region of the EDA protein in which other variant(s) (p.Pro220Leu) have been determined to be pathogenic (PMID: 25846883). This suggests that this is a clinically significant region of the protein, and that variants that disrupt it are likely to be disease-causing. For these reasons, this variant has been classified as Pathogenic.

Literature cited by the submitters: PubMed 16199547; PubMed 9683615; PubMed 25846883.